The following is an entry in ClinVar:

ClinVar aggregate classification (germline): Uncertain significance (1 of 4 stars; one submission).

Conditions:
NRIP1-related disorder. Also called: NRIP1-related condition.

Allele frequency attached by ClinVar (database versions not stated): TOPMed 0.00001.
gnomAD v4.1: 8 of 1,614,048 alleles (0.0005%); highest among the groups gnomAD compares: Admixed American, 0.0017%; no homozygotes.

Submission:

PreventionGenetics, part of Exact Sciences
Classification: Uncertain significance for NRIP1-related condition. Last evaluated: 2023-04-22. Review status: criteria provided, single submitter. Criteria: ACMG Guidelines, 2015. Collection method: clinical testing. Allele origin: germline.
Comment: The NRIP1 c.1011G>A variant is predicted to result in the amino acid substitution p.Met337Ile. To our knowledge, this variant has not been reported in the literature. This variant is reported in 0.00089% of alleles in individuals of European (Non-Finnish) descent in gnomAD. At this time, the clinical significance of this variant is uncertain due to the absence of conclusive functional and genetic evidence.

NM_003489.4(NRIP1):c.1011G>A (p.Met337Ile)

Gene: NRIP1 (nuclear receptor interacting protein 1; minus strand). Cytogenetic location: 21q11.2.
Variant type: single nucleotide variant.
Coding change: c.1011G>A on transcript NM_003489.4 (MANE Select); coding-DNA position 1011, G replaced by A.
Protein change: p.Met337Ile; replaces methionine 337 with isoleucine.
Molecular consequence: missense variant.
Genome position (GRCh38, 1-based): chr21:14,967,182, C>T on the plus strand (G>A on the coding strand, the complement: NRIP1 is on the minus strand). VCF-style: chr21-14967182-C-T. GRCh37 (hg19) VCF-style: chr21-16339503-C-T.
Other names: short protein forms M337I.
Identifiers: ClinVar variation 2632931 (VCV002632931.1), dbSNP rs954999465, ClinGen allele CA317655238.